The following is an entry in ClinVar:

ClinVar aggregate classification (germline): Uncertain significance (1 of 4 stars; one submission).

Submission:

Ambry Genetics
Classification: Uncertain significance. Last evaluated: 2023-12-18. Review status: criteria provided, single submitter. Criteria: Ambry Variant Classification Scheme 2023. Collection method: clinical testing. Allele origin: germline.
Comment: The p.Y498* variant (also known as c.1494T>A), located in coding exon 9 of the GALNT12 gene, results from a T to A substitution at nucleotide position 1494. This changes the amino acid from a tyrosine to a stop codon within coding exon 9. This alteration is expected to result in loss of function by premature protein truncation or nonsense-mediated mRNA decay. However, the evidence for this gene-disease relationship is limited; therefore, the clinical significance of this alteration is unclear.

NM_024642.5(GALNT12):c.1494T>A (p.Tyr498Ter)

Gene: GALNT12 (polypeptide N-acetylgalactosaminyltransferase 12; plus strand). Cytogenetic location: 9q22.33.
Variant type: single nucleotide variant.
Coding change: c.1494T>A on transcript NM_024642.5 (MANE Select); coding-DNA position 1494, T replaced by A.
Protein change: p.Tyr498Ter; replaces tyrosine 498 with a stop codon.
Molecular consequence: nonsense.
Genome position (GRCh38, 1-based): chr9:98,846,012, T>A. VCF-style: chr9-98846012-T-A. GRCh37 (hg19) VCF-style: chr9-101608294-T-A.
Other names: short protein forms Y498*.
Identifiers: ClinVar variation 3227924 (VCV003227924.1), dbSNP rs2490557456, ClinGen allele CA374221661.